The following is an entry in ClinVar:

ClinVar aggregate classification (germline): Uncertain significance. Review status: criteria provided, multiple submitters, no conflicts (2 of 4 stars). 3 submissions from 3 submitters: Uncertain significance (3). Last evaluated 2023-11-13.

Conditions:
Cardiovascular phenotype. Identifiers: MedGen CN230736.
Hypertrophic cardiomyopathy. Also called: HYPERTROPHIC MYOCARDIOPATHY. Identifiers: Orphanet 217569, MedGen C0007194, MeSH D002312, MONDO:0005045, HP:0001639.

Allele frequency attached by ClinVar (database versions not stated): gnomAD exomes below 0.00001 and 0.00001; ExAC 0.00001; gnomAD 0.00001; TOPMed 0.00001.

Submissions (3):

Labcorp Genetics (formerly Invitae), Labcorp
Classification: Uncertain significance for Hypertrophic cardiomyopathy. Last evaluated: 2023-11-13. Review status: criteria provided, single submitter. Criteria: Invitae Variant Classification Sherloc (09022015). Collection method: clinical testing. Allele origin: germline.
Comment: This sequence change replaces methionine, which is neutral and non-polar, with valine, which is neutral and non-polar, at codon 1163 of the MYH7 protein (p.Met1163Val). This variant is present in population databases (rs748972327, gnomAD 0.02%). This variant has not been reported in the literature in individuals affected with MYH7-related conditions. ClinVar contains an entry for this variant (Variation ID: 1320775). Advanced modeling of protein sequence and biophysical properties (such as structural, functional, and spatial information, amino acid conservation, physicochemical variation, residue mobility, and thermodynamic stability) has been performed at Invitae for this missense variant, however the output from this modeling did not meet the statistical confidence thresholds required to predict the impact of this variant on MYH7 protein function. In summary, the available evidence is currently insufficient to determine the role of this variant in disease. Therefore, it has been classified as a Variant of Uncertain Significance.

Ambry Genetics
Classification: Uncertain significance for Cardiovascular phenotype. Last evaluated: 2022-06-15. Review status: criteria provided, single submitter. Criteria: Ambry Variant Classification Scheme 2023. Collection method: clinical testing. Allele origin: germline.
Comment: The p.M1163V variant (also known as c.3487A>G), located in coding exon 25 of the MYH7 gene, results from an A to G substitution at nucleotide position 3487. The methionine at codon 1163 is replaced by valine, an amino acid with highly similar properties. This variant was reported in an unselected electronic medical records cohort, but was not detected in the hypertrophic cardiomyopathy (HCM) comparison cohort (Homburger JR et al. Proc Natl Acad Sci U S A, 2016 06;113:6701-6). This amino acid position is well conserved in available vertebrate species. In addition, the in silico prediction for this alteration is inconclusive. Since supporting evidence is limited at this time, the clinical significance of this alteration remains unclear.

GeneDx
Classification: Uncertain significance. Last evaluated: 2020-06-24. Review status: criteria provided, single submitter. Criteria: GeneDx Variant Classification Process June 2021. Collection method: clinical testing. Allele origin: germline. Affected: yes.
Comment: Has not been previously published as pathogenic or benign to our knowledge; Not observed at a significant frequency in large population cohorts (Lek et al., 2016); In silico analysis supports that this missense variant does not alter protein structure/function

Literature cited by the submitters: PubMed 27247418 (cited by Ambry Genetics).

NM_000257.4(MYH7):c.3487A>G (p.Met1163Val)

Gene: MYH7 (myosin heavy chain 7; minus strand). Cytogenetic location: 14q11.2.
Variant type: single nucleotide variant.
Coding change: c.3487A>G on transcript NM_000257.4 (MANE Select); coding-DNA position 3487, A replaced by G.
Protein change: p.Met1163Val; replaces methionine 1163 with valine.
Molecular consequence: missense variant.
Genome position (GRCh38, 1-based): chr14:23,420,084, T>C on the plus strand (A>G on the coding strand, the complement: MYH7 is on the minus strand). VCF-style: chr14-23420084-T-C. GRCh37 (hg19) VCF-style: chr14-23889293-T-C.
Other names: short protein forms M1163V.
Identifiers: ClinVar variation 1320775 (VCV001320775.7), dbSNP rs748972327, ClinGen allele CA037601.